The following is an entry in ClinVar:

NM_007194.4(CHEK2):c.1479A>G (p.Arg493=)

Gene: CHEK2 (checkpoint kinase 2; minus strand). Cytogenetic location: 22q12.1.
Variant type: single nucleotide variant.
Coding change: c.1479A>G on transcript NM_007194.4 (MANE Select); coding-DNA position 1479, A replaced by G.
Protein change: p.Arg493=; no amino-acid change (arginine 493 retained).
Molecular consequence: synonymous variant.
Genome position (GRCh38, 1-based): chr22:28,689,198, T>C on the plus strand (A>G on the coding strand, the complement: CHEK2 is on the minus strand). VCF-style: chr22-28689198-T-C. GRCh37 (hg19) VCF-style: chr22-29085186-T-C.
Other names: c.1608A>G, p.Arg536= (NM_001005735.3); c.816A>G, p.Arg272= (NM_001257387.3); c.1278A>G, p.Arg426= (NM_001349956.3); c.1392A>G, p.Arg464= (NM_145862.3).
Identifiers: ClinVar variation 3773003 (VCV003773003.2).

ClinVar aggregate classification (germline): Benign/Likely benign. Review status: criteria provided, multiple submitters, no conflicts (2 of 4 stars). 2 submissions from 2 submitters: Benign (1); Likely benign (1). Last evaluated 2025-02-09.

Conditions:
Hereditary cancer-predisposing syndrome. Also called: Neoplastic Syndromes, Hereditary; Tumor predisposition; Hereditary Cancer Syndrome; Hereditary neoplastic syndrome. Identifiers: Orphanet 140162, MedGen C0027672, MeSH D009386, MONDO:0015356.
Familial cancer of breast. Also called: Hereditary breast cancer; BREAST CANCER, FAMILIAL; hereditary breast carcinoma. Identifiers: Orphanet 227535, MedGen C0346153, MONDO:0016419, OMIM 114480. Disease mechanism: loss of function.

Submissions (2):

Ambry Genetics
Classification: Likely benign for Hereditary cancer-predisposing syndrome. Last evaluated: 2025-02-09. Review status: criteria provided, single submitter. Criteria: Ambry Variant Classification Scheme 2023. Collection method: clinical testing. Allele origin: germline.

Myriad Genetics, Inc.
Classification: Benign for Familial cancer of breast. Last evaluated: 2024-10-08. Review status: criteria provided, single submitter. Criteria: Myriad Autosomal Dominant, Autosomal Recessive and X-Linked Classification Criteria (2023). Collection method: clinical testing. Allele origin: unknown.
Comment: This variant is considered benign. This variant is a silent/synonymous amino acid change and it is not expected to impact splicing.